The following is an entry in ClinVar:

ClinVar aggregate classification (germline): Uncertain significance (1 of 4 stars; one submission).

Submission:

Labcorp Genetics (formerly Invitae), Labcorp
Classification: Uncertain significance. Last evaluated: 2022-09-27. Review status: criteria provided, single submitter. Criteria: Invitae Variant Classification Sherloc (09022015). Collection method: clinical testing. Allele origin: germline.
Comment: This sequence change replaces alanine, which is neutral and non-polar, with valine, which is neutral and non-polar, at codon 42 of the OTOGL protein (p.Ala42Val). This variant is not present in population databases (gnomAD no frequency). This variant has not been reported in the literature in individuals affected with OTOGL-related conditions. Algorithms developed to predict the effect of missense changes on protein structure and function output the following: SIFT: "Tolerated"; PolyPhen-2: "Benign"; Align-GVGD: "Class C0". The valine amino acid residue is found in multiple mammalian species, which suggests that this missense change does not adversely affect protein function. In summary, the available evidence is currently insufficient to determine the role of this variant in disease. Therefore, it has been classified as a Variant of Uncertain Significance.

NM_001378609.3(OTOGL):c.152C>T (p.Ala51Val)

Gene: OTOGL (otogelin like; plus strand). Cytogenetic location: 12q21.31.
Variant type: single nucleotide variant.
Coding change: c.152C>T on transcript NM_001378609.3 (MANE Select); coding-DNA position 152, C replaced by T.
Protein change: p.Ala51Val; replaces alanine 51 with valine.
Molecular consequence: missense variant.
Genome position (GRCh38, 1-based): chr12:80,211,981, C>T. VCF-style: chr12-80211981-C-T. GRCh37 (hg19) VCF-style: chr12-80605761-C-T.
Other names: c.152C>T, p.Ala51Val (NM_001368062.3, NM_001378610.3, NM_173591.7); short protein forms A51V.
Identifiers: ClinVar variation 2114912 (VCV002114912.4), dbSNP rs1234507298, ClinGen allele CA385854529.